The following is an entry in ClinVar:

ClinVar aggregate classification (germline): Uncertain significance (1 of 4 stars; one submission).

Submission:

Labcorp Genetics (formerly Invitae), Labcorp
Classification: Uncertain significance. Last evaluated: 2024-03-12. Review status: criteria provided, single submitter. Criteria: Invitae Variant Classification Sherloc (09022015). Collection method: clinical testing. Allele origin: germline.
Comment: This sequence change affects codon 9 of the MAGEL2 mRNA. It is a 'silent' change, meaning that it does not change the encoded amino acid sequence of the MAGEL2 protein. This variant is not present in population databases (gnomAD no frequency). This variant has not been reported in the literature in individuals affected with MAGEL2-related conditions. In summary, the available evidence is currently insufficient to determine the role of this variant in disease. Therefore, it has been classified as a Variant of Uncertain Significance.

NM_019066.5(MAGEL2):c.27T>C (p.Gly9=)

Gene: MAGEL2 (MAGE family member L2; minus strand). Cytogenetic location: 15q11.2.
Variant type: single nucleotide variant.
Coding change: c.27T>C on transcript NM_019066.5 (MANE Select); coding-DNA position 27, T replaced by C.
Protein change: p.Gly9=; no amino-acid change (glycine 9 retained).
Molecular consequence: synonymous variant.
Genome position (GRCh38, 1-based): chr15:23,647,716, A>G on the plus strand (T>C on the coding strand, the complement: MAGEL2 is on the minus strand). VCF-style: chr15-23647716-A-G. GRCh37 (hg19) VCF-style: chr15-23892863-A-G.
Identifiers: ClinVar variation 3606866 (VCV003606866.2).